The following is an entry in ClinVar:

NM_182760.4(SUMF1):c.979C>T (p.Arg327Ter)

Gene: SUMF1 (sulfatase modifying factor 1; minus strand). Cytogenetic location: 3p26.1.
Variant type: single nucleotide variant.
Coding change: c.979C>T on transcript NM_182760.4 (MANE Select); coding-DNA position 979, C replaced by T.
Protein change: p.Arg327Ter; replaces arginine 327 with a stop codon.
Molecular consequence: nonsense. On other transcripts: intron variant (1).
Genome position (GRCh38, 1-based): chr3:4,376,365, G>A on the plus strand (C>T on the coding strand, the complement: SUMF1 is on the minus strand). VCF-style: chr3-4376365-G-A. GRCh37 (hg19) VCF-style: chr3-4418049-G-A.
Other names: c.904C>T, p.Arg302Ter (NM_001164674.2); c.955-14111C>T (NM_001164675.2); short protein forms R327*, R302*.
Identifiers: ClinVar variation 2665 (VCV000002665.17), dbSNP rs137852845, ClinGen allele CA115669.

ClinVar aggregate classification (germline): Pathogenic. Review status: criteria provided, multiple submitters, no conflicts (2 of 4 stars). 7 submissions from 7 submitters: Pathogenic (6). 1 of the submissions does not count toward it. Last evaluated 2025-06-12.

Conditions:
SUMF1-related disorder. Also called: SUMF1-related condition.
Multiple sulfatase deficiency (MSD). Also called: Mucosulfatidosis; Sulfatidosis, Juvenile, Austin Type; Multiple Sulfatase Deficiency Disease. Identifiers: Orphanet 585, MedGen C0268263, MONDO:0010088, OMIM 272200.

Allele frequency attached by ClinVar (database versions not stated): TOPMed below 0.00001; gnomAD exomes 0.00001; gnomAD 0.00001.
gnomAD v4.1: 12 of 1,613,962 alleles (0.00074%); highest among the groups gnomAD compares: South Asian, 0.0011%; no homozygotes.

Submissions (7):

Natera, Inc.
Classification: Pathogenic for Multiple sulfatase deficiency. Last evaluated: 2025-06-12. Review status: criteria provided, single submitter. Criteria: Natera Variant Classification Schema (03/2026). Collection method: clinical testing. Allele origin: germline.
Comment: The c.979C>T variant in SUMF1 is a nonsense variant predicted to introduce a stop codon at amino acid 327. This variant is expected to result in nonsense mediated decay, truncation, or a dysfunctional protein product. This variant is rare in the general population with a frequency below the threshold expected for the associated phenotype(s). This variant has been observed in one or more individuals affected with the associated recessive disease, as either homozygous or compound heterozygous with a second variant (PMID: 29479672, 12757706). Given the available evidence, this variant is classified as Pathogenic.

Fulgent Genetics
Classification: Pathogenic for Multiple sulfatase deficiency. Last evaluated: 2024-06-14. Review status: criteria provided, single submitter. Criteria: ACMG Guidelines, 2015. Collection method: clinical testing. Allele origin: germline.

Labcorp Genetics (formerly Invitae), Labcorp
Classification: Pathogenic for Multiple sulfatase deficiency. Last evaluated: 2024-01-11. Review status: criteria provided, single submitter. Criteria: Invitae Variant Classification Sherloc (09022015). Collection method: clinical testing. Allele origin: germline.
Comment: This sequence change creates a premature translational stop signal (p.Arg327*) in the SUMF1 gene. While this is not anticipated to result in nonsense mediated decay, it is expected to disrupt the last 48 amino acid(s) of the SUMF1 protein. This variant is not present in population databases (gnomAD no frequency). This premature translational stop signal has been observed in individual(s) with multiple sulfatase deficiency (PMID: 12757705, 12757706, 29479672). ClinVar contains an entry for this variant (Variation ID: 2665). Algorithms developed to predict the effect of variants on protein structure and function are not available or were not evaluated for this variant. Experimental studies have shown that this premature translational stop signal affects SUMF1 function (PMID: 12757706). For these reasons, this variant has been classified as Pathogenic.

Blueprint Genetics
Classification: Pathogenic for SUMF1-related disorders. Last evaluated: 2023-02-16. Review status: criteria provided, single submitter. Criteria: ACMG Guidelines, 2015. Collection method: clinical testing. Allele origin: germline. Affected: yes. Observed: 2 variant alleles.

Women's Health and Genetics/Laboratory Corporation of America, LabCorp
Classification: Pathogenic for Multiple sulfatase deficiency. Last evaluated: 2017-12-05. Review status: criteria provided, single submitter. Criteria: LabCorp Variant Classification Summary - May 2015. Collection method: clinical testing. Allele origin: germline.
Comment: Variant summary: The SUMF1 c.979C>T (p.Arg327X) variant results in a premature termination codon, predicted to cause a truncated or absent SUMF1 protein due to nonsense mediated decay, which are commonly known mechanisms for disease. These predictions were confirmed by functional studies where p.Arg327* displayed no enzymatic activity (Cosma_2003 and Schlotawa_2011). This variant is absent from 246416 control chromosomes. It has been reported in multiple affected individuals in compound heterozygosity with known deleterious alleles (Cosma_2003, Dierks_2003). In addition, a reputable database classified this variant as pathogenic. Taken together, this variant is classified as pathogenic.

Juno Genomics, Hangzhou Juno Genomics, Inc
Classification: Pathogenic for Multiple sulfatase deficiency. Review status: criteria provided, single submitter. Criteria: ACMG Guidelines, 2015. Collection method: clinical testing. Allele origin: germline.
Comment: Absent from controls (or at extremely low frequency if recessive) in Genome Aggregation Database.;Null variant in a gene where loss of function (LOF) is a known mechanism of disease.;For recessive disorders, detected in trans with a pathogenic variant.;Patient's phenotype or family history is highly specific for a disease with a single genetic etiology.

OMIM
Classification: Pathogenic for MULTIPLE SULFATASE DEFICIENCY. Last evaluated: 2003-05-16. Review status: no assertion criteria provided. Collection method: literature only. Allele origin: germline. Not counted in ClinVar's aggregate classification.

Literature cited by the submitters: PubMed 29479672 (cited by Natera, Inc. and Labcorp Genetics (formerly Invitae), Labcorp); PubMed 12757706 (cited by 3 submitters); PubMed 12757705 (cited by 3 submitters); PubMed 21224894 (cited by Women's Health and Genetics/Laboratory Corporation of America, LabCorp).